The following is an entry in ClinVar:

ClinVar aggregate classification (germline): Likely pathogenic. Review status: criteria provided, single submitter (1 of 4 stars). 2 submissions from 2 submitters: Likely pathogenic (1). 1 of the submissions does not count toward it. Last evaluated 2022-11-17.

Conditions:
Paroxysmal nocturnal hemoglobinuria (PNH). Also called: Acquired paroxysmal nocturnal hemoglobinuria. Identifiers: Orphanet 447, MedGen C0024790, MONDO:0100244, HP:0004818, MONDO:0018641.

Submissions (2):

GeneDx
Classification: Likely pathogenic. Last evaluated: 2022-11-17. Review status: criteria provided, single submitter. Criteria: GeneDx Variant Classification Process June 2021. Collection method: clinical testing. Allele origin: germline. Affected: yes.
Comment: Has not been previously published as pathogenic or benign variant in the germline, to our knowledge; Not observed at significant frequency in large population cohorts (gnomAD); Nonsense variant predicted to result in protein truncation or nonsense mediated decay in a gene for which loss of function is a known mechanism of disease; This variant is associated with the following publications: (PMID: 8557259)

OMIM
Classification: Pathogenic for PAROXYSMAL NOCTURNAL HEMOGLOBINURIA. Last evaluated: 1999-04-27. Review status: no assertion criteria provided. Collection method: literature only. Allele origin: somatic. Not counted in ClinVar's aggregate classification.

Literature cited by the submitters: PubMed 8557259 (cited by OMIM); PubMed 10220445 (cited by OMIM); PubMed 9019395 (cited by OMIM).

NM_002641.4(PIGA):c.294C>A (p.Tyr98Ter)

Gene: PIGA (phosphatidylinositol glycan anchor biosynthesis class A; minus strand). Cytogenetic location: Xp22.2.
Variant type: single nucleotide variant.
Coding change: c.294C>A on transcript NM_002641.4 (MANE Select); coding-DNA position 294, C replaced by A.
Protein change: p.Tyr98Ter; replaces tyrosine 98 with a stop codon.
Molecular consequence: nonsense. On other transcripts: non-coding transcript variant (1), intron variant (1).
Genome position (GRCh38, 1-based): chrX:15,331,637, G>T on the plus strand (C>A on the coding strand, the complement: PIGA is on the minus strand). VCF-style: chrX-15331637-G-T. GRCh37 (hg19) VCF-style: chrX-15349759-G-T.
Other names: PIGA, TYR98TER, SOMATIC; c.13+3864C>A (NM_020473.3); short protein forms Y98*.
Identifiers: ClinVar variation 9958 (VCV000009958.4), dbSNP rs199422232, ClinGen allele CA120841.